The following is an entry in ClinVar:

NM_000492.4(CFTR):c.2414T>G (p.Leu805Arg)

Gene: CFTR (CF transmembrane conductance regulator; plus strand). Cytogenetic location: 7q31.2.
Variant type: single nucleotide variant.
Coding change: c.2414T>G on transcript NM_000492.4 (MANE Select); coding-DNA position 2414, T replaced by G.
Protein change: p.Leu805Arg; replaces leucine 805 with arginine.
Molecular consequence: missense variant.
Genome position (GRCh38, 1-based): chr7:117,592,581, T>G. VCF-style: chr7-117592581-T-G. GRCh37 (hg19) VCF-style: chr7-117232635-T-G.
Other names: p.Leu805Arg; short protein forms L805R.
Identifiers: ClinVar variation 4541329 (VCV004541329.1).

ClinVar aggregate classification (germline): Uncertain significance (1 of 4 stars; one submission).

Submission:

Mayo Clinic Laboratories, Mayo Clinic
Classification: Uncertain significance. Last evaluated: 2025-03-19. Review status: criteria provided, single submitter. Criteria: ACMG Guidelines, 2015. Collection method: clinical testing. Allele origin: germline. Observed: 1 variant allele.
Comment: PM2_supporting